The following is an entry in ClinVar:

ClinVar aggregate classification (germline): Uncertain significance. Review status: criteria provided, multiple submitters, no conflicts (2 of 4 stars). 4 submissions from 4 submitters: Uncertain significance (3). 1 of the submissions does not count toward it. Last evaluated 2025-08-15.

Conditions:
Retinal dystrophy. Also called: Inherited retinal dystrophy. Identifiers: Orphanet 71862, MedGen C0854723, MeSH D058499, MONDO:0019118, HP:0000556.
Inborn genetic diseases. Identifiers: MedGen C0950123, MeSH D030342.

Allele frequency attached by ClinVar (database versions not stated): gnomAD 0.00001; gnomAD exomes 0.00001 and 0.00002; ExAC 0.00002; TOPMed 0.00003.
gnomAD v4.1: 39 of 1,614,074 alleles (0.0024%); highest among the groups gnomAD compares: Non-Finnish European, 0.0027%; no homozygotes.

Submissions (4):

Ambry Genetics
Classification: Uncertain significance for Inborn genetic diseases. Last evaluated: 2025-08-15. Review status: criteria provided, single submitter. Criteria: Ambry Variant Classification Scheme 2023. Collection method: clinical testing. Allele origin: germline.

Blueprint Genetics
Classification: Uncertain significance. Last evaluated: 2024-11-23. Review status: criteria provided, single submitter. Criteria: ACMG Guidelines, 2015. Collection method: clinical testing. Allele origin: germline.

Labcorp Genetics (formerly Invitae), Labcorp
Classification: Uncertain significance. Last evaluated: 2024-10-29. Review status: criteria provided, single submitter. Criteria: Invitae Variant Classification Sherloc (09022015). Collection method: clinical testing. Allele origin: germline.
Comment: This sequence change replaces glycine, which is neutral and non-polar, with glutamic acid, which is acidic and polar, at codon 642 of the RGS9 protein (p.Gly642Glu). This variant is present in population databases (rs778574059, gnomAD 0.003%). This variant has not been reported in the literature in individuals affected with RGS9-related conditions. ClinVar contains an entry for this variant (Variation ID: 1042132). An algorithm developed to predict the effect of missense changes on protein structure and function outputs the following: PolyPhen-2: "Benign". The glutamic acid amino acid residue is found in multiple mammalian species, which suggests that this missense change does not adversely affect protein function. In summary, the available evidence is currently insufficient to determine the role of this variant in disease. Therefore, it has been classified as a Variant of Uncertain Significance.

Institute of Human Genetics, Univ. Regensburg, Univ. Regensburg
Classification: Uncertain significance for Retinal dystrophy. Last evaluated: 2022-01-01. Review status: no assertion criteria provided. Criteria: ACMG Guidelines, 2015. Collection method: clinical testing. Allele origin: germline. Affected: yes. Not counted in ClinVar's aggregate classification.

NM_003835.4(RGS9):c.1925G>A (p.Gly642Glu)

Gene: RGS9 (regulator of G protein signaling 9; plus strand). Cytogenetic location: 17q24.1.
Variant type: single nucleotide variant.
Coding change: c.1925G>A on transcript NM_003835.4 (MANE Select); coding-DNA position 1925, G replaced by A.
Protein change: p.Gly642Glu; replaces glycine 642 with glutamic acid.
Molecular consequence: missense variant.
Genome position (GRCh38, 1-based): chr17:65,227,307, G>A. VCF-style: chr17-65227307-G-A. GRCh37 (hg19) VCF-style: chr17-63223425-G-A.
Other names: c.1916G>A, p.Gly639Glu (NM_001081955.3); c.1925G>A (NM_003835.3); short protein forms G639E, G642E.
Identifiers: ClinVar variation 1042132 (VCV001042132.12), dbSNP rs778574059, ClinGen allele CA8718208.